The following is an entry in ClinVar:

NM_030912.3(TRIM8):c.754G>A (p.Glu252Lys)

Gene: TRIM8 (tripartite motif containing 8; plus strand). Cytogenetic location: 10q24.32.
Variant type: single nucleotide variant.
Coding change: c.754G>A on transcript NM_030912.3 (MANE Select); coding-DNA position 754, G replaced by A.
Protein change: p.Glu252Lys; replaces glutamic acid 252 with lysine.
Molecular consequence: missense variant. On other transcripts: non-coding transcript variant (1).
Genome position (GRCh38, 1-based): chr10:102,655,167, G>A. VCF-style: chr10-102655167-G-A. GRCh37 (hg19) VCF-style: chr10-104414924-G-A.
Other names: c.658G>A, p.Glu220Lys (NM_001345950.1); short protein forms E252K, E220K.
Identifiers: ClinVar variation 4982956 (VCV004982956.1).
Genomic context (GRCh38, chr10:102,655,167, plus strand): 5'-GTTCGGCTGCAGTACGAGAAGCTGCACCAGCTGCTGGACGAGGACCTGCGGCAGACAGTG[G>A]AGGTCCTAGACAAGGCCCAGGCCAAGTTCTGCAGCGAGAACGCAGCGCAGGCGCTGCACC-3'
Protein context (NP_112174.2, residues 242-262): LLDEDLRQTV[Glu252Lys]VLDKAQAKFC

ClinVar aggregate classification (germline): Uncertain significance (1 of 4 stars; one submission).

Conditions:
TRIM8-related disorder. Also called: TRIM8-related condition.

Submission:

PreventionGenetics, part of Exact Sciences
Classification: Uncertain significance for TRIM8-related condition. Last evaluated: 2024-10-17. Review status: criteria provided, single submitter. Criteria: ACMG Guidelines, 2015. Collection method: clinical testing. Allele origin: germline.
Comment: The TRIM8 c.754G>A variant is predicted to result in the amino acid substitution p.Glu252Lys. To our knowledge, this variant has not been reported in the literature or in a large population database (gnomAD), indicating this variant is rare. At this time, the clinical significance of this variant is uncertain due to the absence of conclusive functional and genetic evidence.